The following is an entry in ClinVar:

ClinVar aggregate classification (germline): Uncertain significance (1 of 4 stars; one submission).

Submission:

GeneDx
Classification: Uncertain significance. Last evaluated: 2024-07-31. Review status: criteria provided, single submitter. Criteria: GeneDx Variant Classification Process June 2021. Collection method: clinical testing. Allele origin: germline. Affected: yes.
Comment: Not observed at significant frequency in large population cohorts (gnomAD); Nonsense variant predicted to result in protein truncation as the last 118 amino acids are lost, although loss-of-function variants have not been reported downstream of this position in the protein; Has not been previously published as pathogenic or benign to our knowledge

NM_000891.3(KCNJ2):c.928C>T (p.Gln310Ter)

Gene: KCNJ2 (potassium inwardly rectifying channel subfamily J member 2; plus strand). Cytogenetic location: 17q24.3.
Variant type: single nucleotide variant.
Coding change: c.928C>T on transcript NM_000891.3 (MANE Select); coding-DNA position 928, C replaced by T.
Protein change: p.Gln310Ter; replaces glutamine 310 with a stop codon.
Molecular consequence: nonsense.
Genome position (GRCh38, 1-based): chr17:70,175,967, C>T. VCF-style: chr17-70175967-C-T. GRCh37 (hg19) VCF-style: chr17-68172108-C-T.
Other names: short protein forms Q310*.
Identifiers: ClinVar variation 3602493 (VCV003602493.1).